The following is an entry in ClinVar:

NM_000179.3(MSH6):c.2915T>G (p.Ile972Ser)

Gene: MSH6 (mutS homolog 6; plus strand). Cytogenetic location: 2p16.3.
Variant type: single nucleotide variant.
Coding change: c.2915T>G on transcript NM_000179.3 (MANE Select); coding-DNA position 2915, T replaced by G.
Protein change: p.Ile972Ser; replaces isoleucine 972 with serine.
Molecular consequence: missense variant.
Genome position (GRCh38, 1-based): chr2:47,800,898, T>G. VCF-style: chr2-47800898-T-G. GRCh37 (hg19) VCF-style: chr2-48028037-T-G.
Other names: c.2525T>G, p.Ile842Ser (NM_001281492.2); c.2009T>G, p.Ile670Ser (NM_001281493.2, NM_001281494.2, NM_001406811.1 and 6 more transcripts); c.3011T>G, p.Ile1004Ser (NM_001406795.1, NM_001406802.1); c.2915T>G, p.Ile972Ser (NM_001406796.1, NM_001406798.1, NM_001406800.1 and 2 more transcripts); c.2618T>G, p.Ile873Ser (NM_001406797.1, NM_001406801.1, NM_001406805.1 and 10 more transcripts); c.2390T>G, p.Ile797Ser (NM_001406799.1, NM_001406806.1, NM_001406807.1); c.2837T>G, p.Ile946Ser (NM_001406804.1); c.2921T>G, p.Ile974Ser (NM_001406813.1); and 2 more; short protein forms I1004S, I670S, I916S, I974S, I797S, I946S, I287S, I842S.
Identifiers: ClinVar variation 1797625 (VCV001797625.2), dbSNP rs1669527613, ClinGen allele CA346756170.

ClinVar aggregate classification (germline): Uncertain significance (1 of 4 stars; one submission).

Conditions:
Hereditary cancer-predisposing syndrome. Also called: Neoplastic Syndromes, Hereditary; Tumor predisposition; Hereditary Cancer Syndrome; Hereditary neoplastic syndrome. Identifiers: Orphanet 140162, MedGen C0027672, MeSH D009386, MONDO:0015356.

Submission:

Ambry Genetics
Classification: Uncertain significance for Hereditary cancer-predisposing syndrome. Last evaluated: 2022-08-13. Review status: criteria provided, single submitter. Criteria: Ambry Variant Classification Scheme 2023. Collection method: clinical testing. Allele origin: germline.
Comment: The p.I972S variant (also known as c.2915T>G), located in coding exon 4 of the MSH6 gene, results from a T to G substitution at nucleotide position 2915. The isoleucine at codon 972 is replaced by serine, an amino acid with dissimilar properties. This amino acid position is conserved. In addition, the in silico prediction for this alteration is inconclusive. Since supporting evidence is limited at this time, the clinical significance of this alteration remains unclear.